The following is an entry in ClinVar:

ClinVar aggregate classification (germline): Uncertain significance (1 of 4 stars; one submission).

Conditions:
Geleophysic dysplasia 3. Identifiers: MedGen C4540511, MONDO:0054722, OMIM 617809.

Submission:

3billion
Classification: Uncertain significance for Geleophysic dysplasia 3. Last evaluated: 2024-06-12. Review status: criteria provided, single submitter. Criteria: ACMG Guidelines, 2015. Collection method: clinical testing. Allele origin: germline. Affected: yes.
Comment: The variant is not observed in the gnomAD v4.0.0 dataset. Predicted Consequence/Location: Inframe insertion located in a nonrepeat region: predicted to change the length of the protein and disrupt normal protein function. Therefore, this variant is classified as VUS according to the recommendation of ACMG/AMP guideline.

NM_001130144.3(LTBP3):c.3673_3687dup (p.Val1229_Pro1230insSerGlyArgCysVal)

Gene: LTBP3 (latent transforming growth factor beta binding protein 3; minus strand). Cytogenetic location: 11q13.1.
Variant type: Duplication.
Coding change: c.3673_3687dup on transcript NM_001130144.3 (MANE Select); coding-DNA positions 3673 to 3687, 15 bases duplicated (AGTGGCCGCTGCGTG).
Protein change: p.Val1229_Pro1230insSerGlyArgCysVal.
Molecular consequence: inframe insertion.
Genome position (GRCh38, 1-based): chr11:65,539,401-65,539,415, CACGCAGCGGCCACT duplicated on the plus strand (AGTGGCCGCTGCGTG on the coding strand, the reverse complement: LTBP3 is on the minus strand); duplicating any 15 consecutive bases within chr11:65,539,401-65,539,424 gives the same sequence; the c. name uses the placement nearest the transcript's 3' end. VCF-style (leftmost placement, unchanged base first): chr11-65539400-G-GCACGCAGCGGCCACT. GRCh37 (hg19) VCF-style: chr11-65306871-G-GCACGCAGCGGCCACT.
Other names: c.3181_3195dup, p.Val1065_Pro1066insSerGlyArgCysVal (NM_001164266.1); c.3532_3546dup, p.Val1182_Pro1183insSerGlyArgCysVal (NM_021070.4).
Identifiers: ClinVar variation 4293519 (VCV004293519.1).
Genomic context (GRCh38, chr11:65,539,400, plus strand): 5'-CGCGGGAGGCGTCGAGCTGGAAGCCGCCGGGACACTCGCACACGGCGCCGCCCGGCCGCG[G>GCACGCAGCGGCCACT]CACGCAGCGGCCACTCACGCAGCGACACTCGTCTGAATCCTCCTCTGAACTGTCCTCATC-3'